The following is an entry in ClinVar:

NM_001370259.2(MEN1):c.927C>T (p.Ala309=)

Gene: MEN1 (menin 1; minus strand). Cytogenetic location: 11q13.1.
Variant type: single nucleotide variant.
Coding change: c.927C>T on transcript NM_001370259.2 (MANE Select); coding-DNA position 927, C replaced by T.
Protein change: p.Ala309=; no amino-acid change (alanine 309 retained).
Molecular consequence: synonymous variant. On other transcripts: non-coding transcript variant (4).
Genome position (GRCh38, 1-based): chr11:64,806,354, G>A on the plus strand (C>T on the coding strand, the complement: MEN1 is on the minus strand). VCF-style: chr11-64806354-G-A. GRCh37 (hg19) VCF-style: chr11-64573826-G-A.
Other names: c.942C>T, p.Ala314= (NM_000244.4, NM_001407145.1, NM_001407150.1 and 5 more transcripts); c.927C>T, p.Ala309= (NM_001370251.2, NM_001370260.2, NM_001370261.2 and 7 more transcripts); c.822C>T, p.Ala274= (NM_001370262.2, NM_001370263.2, NM_001407148.1 and 2 more transcripts).
Identifiers: ClinVar variation 2564960 (VCV002564960.3), dbSNP rs2497176640, ClinGen allele CA474983421.

ClinVar aggregate classification (germline): Benign/Likely benign. Review status: criteria provided, multiple submitters, no conflicts (2 of 4 stars). 2 submissions from 2 submitters: Benign (1); Likely benign (1). Last evaluated 2024-11-04.

Conditions:
Multiple endocrine neoplasia, type 1 (MEN1). Also called: MEN I; MEA I; WERMER SYNDROME; Endocrine adenomatosis multiple; MEN 1. Identifiers: Orphanet 652, MedGen C0025267, MeSH D018761, MONDO:0007540, OMIM 131100.
Hereditary cancer-predisposing syndrome. Also called: Neoplastic Syndromes, Hereditary; Hereditary Cancer Syndrome; Tumor predisposition; Hereditary neoplastic syndrome. Identifiers: Orphanet 140162, MedGen C0027672, MeSH D009386, MONDO:0015356.

gnomAD v4.1: 2 of 1,614,182 alleles (0.00012%); highest among the groups gnomAD compares: Non-Finnish European, 0.00017%; no homozygotes.

Submissions (2):

Myriad Genetics, Inc.
Classification: Benign for Multiple endocrine neoplasia, type 1. Last evaluated: 2024-11-04. Review status: criteria provided, single submitter. Criteria: Myriad Autosomal Dominant, Autosomal Recessive and X-Linked Classification Criteria (2023). Collection method: clinical testing. Allele origin: unknown.
Comment: This variant is considered benign. This variant is a silent/synonymous amino acid change and it is not expected to impact splicing.

Ambry Genetics
Classification: Likely benign for Hereditary cancer-predisposing syndrome. Last evaluated: 2023-03-20. Review status: criteria provided, single submitter. Criteria: Ambry Variant Classification Scheme 2023. Collection method: clinical testing. Allele origin: germline.